The following is an entry in ClinVar:

NM_007294.4(BRCA1):c.2293G>C (p.Glu765Gln)

Gene: BRCA1 (BRCA1 DNA repair associated; minus strand). Cytogenetic location: 17q21.31.
Variant type: single nucleotide variant.
Coding change: c.2293G>C on transcript NM_007294.4 (MANE Select); coding-DNA position 2293, G replaced by C.
Protein change: p.Glu765Gln; replaces glutamic acid 765 with glutamine.
Molecular consequence: missense variant. On other transcripts: intron variant (137).
Genome position (GRCh38, 1-based): chr17:43,093,238, C>G on the plus strand (G>C on the coding strand, the complement: BRCA1 is on the minus strand). VCF-style: chr17-43093238-C-G. GRCh37 (hg19) VCF-style: chr17-41245255-C-G.
Other names: c.2149G>C, p.Glu717Gln (NM_001407848.1, NM_001407849.1, NM_001407943.1 and 20 more transcripts); c.2152G>C, p.Glu718Gln (NM_001407850.1, NM_001407851.1, NM_001407852.1 and 29 more transcripts); c.2080G>C, p.Glu694Gln (NM_001407853.1, NM_001407894.1, NM_001407895.1 and 9 more transcripts); c.2293G>C, p.Glu765Gln (NM_001407854.1, NM_001407858.1, NM_001407859.1 and 30 more transcripts); c.2290G>C, p.Glu764Gln (NM_001407860.1, NM_001407861.1, NM_001407587.1 and 22 more transcripts); c.2092G>C, p.Glu698Gln (NM_001407862.1); c.2170G>C, p.Glu724Gln (NM_001407863.1, NM_001407919.1, NM_001407937.1 and 19 more transcripts); c.2089G>C, p.Glu697Gln (NM_001407874.1, NM_001407875.1); and 41 more; short protein forms E765Q, E718Q, E697Q, E724Q, E762Q, E764Q, E469Q, E597Q.
Identifiers: ClinVar variation 1479206 (VCV001479206.11), dbSNP rs80357449, ClinGen allele CA10597415.

ClinVar aggregate classification (germline): Conflicting classifications of pathogenicity. Review status: criteria provided, conflicting classifications (1 of 4 stars). 2 submissions from 2 submitters: Uncertain significance (1); Likely benign (1). Last evaluated 2025-08-21.

Conditions:
Hereditary cancer-predisposing syndrome. Also called: Tumor predisposition; Hereditary Cancer Syndrome; Hereditary neoplastic syndrome; Neoplastic Syndromes, Hereditary. Identifiers: Orphanet 140162, MedGen C0027672, MeSH D009386, MONDO:0015356.
Hereditary breast ovarian cancer syndrome. Also called: Hereditary breast and ovarian cancer; BRCA1- and BRCA2-Associated Hereditary Breast and Ovarian Cancer; Hereditary breast and ovarian cancer syndrome; Hereditary breast and ovarian cancer syndrome (HBOC); Breast and ovarian cancer; Hereditary breast and/or ovarian cancer syndrome. Identifiers: Orphanet 145, MedGen C0677776, MeSH D061325, MONDO:0003582. Disease mechanism: loss of function.

Submissions (2):

Labcorp Genetics (formerly Invitae), Labcorp
Classification: Uncertain significance for Hereditary breast ovarian cancer syndrome. Last evaluated: 2025-08-21. Review status: criteria provided, single submitter. Criteria: Invitae Variant Classification Sherloc (09022015). Collection method: clinical testing. Allele origin: germline.
Comment: This sequence change replaces glutamic acid, which is acidic and polar, with glutamine, which is neutral and polar, at codon 765 of the BRCA1 protein (p.Glu765Gln). This variant is not present in population databases (gnomAD no frequency). This variant has not been reported in the literature in individuals affected with BRCA1-related conditions. ClinVar contains an entry for this variant (Variation ID: 1479206). Invitae Evidence Modeling of protein sequence and biophysical properties (such as structural, functional, and spatial information, amino acid conservation, physicochemical variation, residue mobility, and thermodynamic stability) indicates that this missense variant is not expected to disrupt BRCA1 protein function with a negative predictive value of 80%. In summary, the available evidence is currently insufficient to determine the role of this variant in disease. Therefore, it has been classified as a Variant of Uncertain Significance.

University of Washington Department of Laboratory Medicine, University of Washington
Classification: Likely benign for Hereditary cancer-predisposing syndrome. Last evaluated: 2023-03-23. Review status: criteria provided, single submitter. Criteria: Dines et al. (Genet Med. 2020). Collection method: curation. Allele origin: germline.
Comment: Missense variant in a coldspot region where missense variants are very unlikely to be pathogenic (PMID:31911673).

BRCA1 coldspot (exon 11 using historical exon numbering). Reclassification based on statistical prior probability